The following is an entry in ClinVar:

NM_003737.4(DCHS1):c.1666C>A (p.Pro556Thr)

Gene: DCHS1 (dachsous cadherin-related 1; minus strand). Cytogenetic location: 11p15.4.
Variant type: single nucleotide variant.
Coding change: c.1666C>A on transcript NM_003737.4 (MANE Select); coding-DNA position 1666, C replaced by A.
Protein change: p.Pro556Thr; replaces proline 556 with threonine.
Molecular consequence: missense variant.
Genome position (GRCh38, 1-based): chr11:6,639,948, G>T on the plus strand (C>A on the coding strand, the complement: DCHS1 is on the minus strand). VCF-style: chr11-6639948-G-T. GRCh37 (hg19) VCF-style: chr11-6661179-G-T.
Other names: short protein forms P556T.
Identifiers: ClinVar variation 2110459 (VCV002110459.4), dbSNP rs1856040798, ClinGen allele CA379430450.

ClinVar aggregate classification (germline): Uncertain significance (1 of 4 stars; one submission).

Submission:

Labcorp Genetics (formerly Invitae), Labcorp
Classification: Uncertain significance. Last evaluated: 2022-03-12. Review status: criteria provided, single submitter. Criteria: Invitae Variant Classification Sherloc (09022015). Collection method: clinical testing. Allele origin: germline.
Comment: In summary, the available evidence is currently insufficient to determine the role of this variant in disease. Therefore, it has been classified as a Variant of Uncertain Significance. Advanced modeling of protein sequence and biophysical properties (such as structural, functional, and spatial information, amino acid conservation, physicochemical variation, residue mobility, and thermodynamic stability) performed at Invitae indicates that this missense variant is not expected to disrupt DCHS1 protein function. This variant has not been reported in the literature in individuals affected with DCHS1-related conditions. This variant is not present in population databases (gnomAD no frequency). This sequence change replaces proline, which is neutral and non-polar, with threonine, which is neutral and polar, at codon 556 of the DCHS1 protein (p.Pro556Thr).